The following is an entry in ClinVar:

NC_012920.1(MT-ATP6):m.8785C>G

Gene: MT-ATP6 (mitochondrially encoded ATP synthase 6; plus strand).
Variant type: single nucleotide variant.
Genome position: chrM-8785-C-G.
Identifiers: ClinVar variation 692985 (VCV000692985.1), dbSNP rs1603221807, ClinGen allele CA414798071.
Genomic context (GRCh38, chrMT:8,785, plus strand): 5'-ACCTGATCTCTTATACTAGTATCCTTAATCATTTTTATTGCCACAACTAACCTCCTCGGA[C>G]TCCTGCCTCACTCATTTACACCAACCACCCAACTATCTATAAACCTAGCCATGGCCATCC-3'

ClinVar aggregate classification (germline): Uncertain significance (1 of 4 stars; one submission).

Conditions:
Leigh syndrome (NULS). Also called: Leigh's necrotizing encephalopathy; Leigh's disease; Leigh Syndrome (mtDNA deletion); Leigh Disease; Subacute necrotizing encephalopathy; Necrotizing encephalopathy infantile subacute of Leigh. Identifiers: Orphanet 506, MedGen C2931891, MONDO:0009723, OMIM 256000.

Submission:

Wong Mito Lab, Molecular and Human Genetics, Baylor College of Medicine
Classification: Uncertain significance for Leigh syndrome. Last evaluated: 2019-10-17. Review status: criteria provided, single submitter. Criteria: Modified ACMG Guidelines (Unpublished). Collection method: clinical testing. Allele origin: germline.
Comment: The NC_012920.1:m.8785C>G (YP_003024031.1:p.Leu87Val) variant in MTATP6 gene is interpretated to be a Uncertain Significance variant based on the modified ACMG guidelines (unpublished). This variant meets the following evidence codes: PP3, PP7, BS4